The following is an entry in ClinVar:

NM_006237.4(POU4F1):c.106_113del (p.Cys36fs)

Genes: OBI1-AS1 (OBI1 antisense RNA 1; plus strand), POU4F1 (POU class 4 homeobox 1; minus strand). Cytogenetic location: 13q31.1.
Variant type: Deletion.
Coding change: c.106_113del on transcript NM_006237.4 (MANE Select); coding-DNA positions 106 to 113, 8 bases deleted (TGCCTGCC; older notation c.106_113delTGCCTGCC).
Protein change: p.Cys36fs; shifts the reading frame from cysteine 36.
Molecular consequence: frameshift variant.
Genome position (GRCh38, 1-based): chr13:78,603,214-78,603,221, GGCAGGCA deleted on the plus strand (TGCCTGCC on the coding strand, the reverse complement: POU4F1 is on the minus strand); deleting any 8 consecutive bases within chr13:78,603,214-78,603,224 gives the same sequence; the c. name uses the placement nearest the transcript's 3' end. VCF-style (leftmost placement, unchanged base first): chr13-78603213-GGGCAGGCA-G. GRCh37 (hg19) VCF-style: chr13-79177348-GGGCAGGCA-G.
Other names: short protein forms C36fs.
Identifiers: ClinVar variation 4292069 (VCV004292069.1).

ClinVar aggregate classification (germline): Likely pathogenic (1 of 4 stars; one submission).

Conditions:
Ataxia, intention tremor, and hypotonia syndrome, childhood-onset. Identifiers: MedGen C5543478, MONDO:0859158, OMIM 619352.

Submission:

3billion
Classification: Likely pathogenic for Ataxia, intention tremor, and hypotonia syndrome, childhood-onset. Last evaluated: 2024-12-26. Review status: criteria provided, single submitter. Criteria: ACMG Guidelines, 2015. Collection method: clinical testing. Allele origin: germline. Affected: yes.
Comment: The variant is not observed in the gnomAD v4.1.0 dataset. Predicted Consequence/Location: Frameshift: predicted to result in a loss or disruption of normal protein function through protein truncation. The predicted truncated protein may be shortened by more than 10%. Therefore, this variant is classified as Likely pathogenic according to the recommendation of ACMG/AMP guideline.